The following is an entry in ClinVar:

ClinVar aggregate classification (germline): Uncertain significance (1 of 4 stars; one submission).

Conditions:
Cardiovascular phenotype. Identifiers: MedGen CN230736.
Hereditary cancer-predisposing syndrome. Also called: Tumor predisposition; Hereditary neoplastic syndrome; Neoplastic Syndromes, Hereditary; Hereditary Cancer Syndrome. Identifiers: Orphanet 140162, MedGen C0027672, MeSH D009386, MONDO:0015356.

Submission:

Ambry Genetics
Classification: Uncertain significance for Cardiovascular phenotype; Hereditary cancer-predisposing syndrome. Last evaluated: 2025-06-02. Review status: criteria provided, single submitter. Criteria: Ambry Variant Classification Scheme 2023. Collection method: clinical testing. Allele origin: germline.
Comment: The p.V337L variant (also known as c.1009G>T), located in coding exon 10 of the LZTR1 gene, results from a G to T substitution at nucleotide position 1009. The valine at codon 337 is replaced by leucine, an amino acid with highly similar properties. This amino acid position is conserved. In addition, this alteration is predicted to be tolerated by in silico analysis. Based on the available evidence, the clinical significance of this variant remains unclear.

NM_006767.4(LZTR1):c.1009G>T (p.Val337Leu)

Gene: LZTR1 (leucine zipper like post translational regulator 1; plus strand). Cytogenetic location: 22q11.21.
Variant type: single nucleotide variant.
Coding change: c.1009G>T on transcript NM_006767.4 (MANE Select); coding-DNA position 1009, G replaced by T.
Protein change: p.Val337Leu; replaces valine 337 with leucine.
Molecular consequence: missense variant.
Genome position (GRCh38, 1-based): chr22:20,992,229, G>T. VCF-style: chr22-20992229-G-T. GRCh37 (hg19) VCF-style: chr22-21346518-G-T.
Other names: short protein forms V337L.
Identifiers: ClinVar variation 4029144 (VCV004029144.1).